The following is an entry in ClinVar:

ClinVar aggregate classification (germline): Uncertain significance (1 of 4 stars; one submission).

Conditions:
Hereditary cancer-predisposing syndrome. Also called: Neoplastic Syndromes, Hereditary; Tumor predisposition; Hereditary Cancer Syndrome; Hereditary neoplastic syndrome. Identifiers: Orphanet 140162, MedGen C0027672, MeSH D009386, MONDO:0015356.

Submission:

Ambry Genetics
Classification: Uncertain significance for Hereditary cancer-predisposing syndrome. Last evaluated: 2021-08-17. Review status: criteria provided, single submitter. Criteria: Ambry Variant Classification Scheme 2023. Collection method: clinical testing. Allele origin: germline.
Comment: The p.D262H variant (also known as c.784G>C), located in coding exon 7 of the SUFU gene, results from a G to C substitution at nucleotide position 784. The aspartic acid at codon 262 is replaced by histidine, an amino acid with similar properties. This amino acid position is well conserved in available vertebrate species. In addition, the in silico prediction for this alteration is inconclusive. Since supporting evidence is limited at this time, the clinical significance of this alteration remains unclear.

NM_016169.4(SUFU):c.784G>C (p.Asp262His)

Gene: SUFU (SUFU negative regulator of hedgehog signaling; plus strand). Cytogenetic location: 10q24.32.
Variant type: single nucleotide variant.
Coding change: c.784G>C on transcript NM_016169.4 (MANE Select); coding-DNA position 784, G replaced by C.
Protein change: p.Asp262His; replaces aspartic acid 262 with histidine.
Molecular consequence: missense variant.
Genome position (GRCh38, 1-based): chr10:102,597,167, G>C. VCF-style: chr10-102597167-G-C. GRCh37 (hg19) VCF-style: chr10-104356924-G-C.
Other names: c.784G>C, p.Asp262His (NM_001178133.2); short protein forms D262H.
Identifiers: ClinVar variation 1760889 (VCV001760889.2), dbSNP rs2545094017, ClinGen allele CA377910345.